The following is an entry in ClinVar:

NM_000051.4(ATM):c.5939del (p.Gly1980fs)

Genes: ATM (ATM serine/threonine kinase; plus strand), C11orf65 (chromosome 11 open reading frame 65; minus strand). Cytogenetic location: 11q22.3.
Variant type: Deletion.
Coding change: c.5939del on transcript NM_000051.4 (MANE Select); coding-DNA position 5939, one base deleted (G; older notation c.5939delG).
Protein change: p.Gly1980fs; shifts the reading frame from glycine 1980.
Molecular consequence: frameshift variant. On other transcripts: intron variant (2).
Genome position (GRCh38, 1-based): chr11:108,312,431, G deleted; the last of 2 consecutive G bases (chr11:108,312,430-108,312,431); deleting either gives the same sequence. VCF-style (leftmost placement, unchanged base first): chr11-108312429-AG-A. GRCh37 (hg19) VCF-style: chr11-108183156-AG-A.
Other names: c.5939del, p.Gly1980fs (NM_001351834.2); c.641-3359del (NM_001330368.2); c.*39-3359del (NM_001351110.2); short protein forms G1980fs.
Identifiers: ClinVar variation 2057243 (VCV002057243.4), dbSNP rs2547052584, ClinGen allele CA2580082992.

ClinVar aggregate classification (germline): Pathogenic (1 of 4 stars; one submission).

Conditions:
Ataxia-telangiectasia syndrome (AT). Also called: Ataxia-telangiectasia, complementation group D; AT, COMPLEMENTATION GROUP C; ATAXIA-TELANGIECTASIA, COMPLEMENTATION GROUP A; ATAXIA-TELANGIECTASIA, FRESNO VARIANT; Ataxia-telangiectasia, complementation group E; LOUIS-BAR SYNDROME. Identifiers: Orphanet 100, MedGen C0004135, MONDO:0008840, OMIM 208900.

Submission:

Labcorp Genetics (formerly Invitae), Labcorp
Classification: Pathogenic for Ataxia-telangiectasia syndrome. Last evaluated: 2021-12-24. Review status: criteria provided, single submitter. Criteria: Invitae Variant Classification Sherloc (09022015). Collection method: clinical testing. Allele origin: germline.
Comment: This sequence change creates a premature translational stop signal (p.Gly1980Glufs*10) in the ATM gene. It is expected to result in an absent or disrupted protein product. Loss-of-function variants in ATM are known to be pathogenic (PMID: 23807571, 25614872). This variant is not present in population databases (gnomAD no frequency). This variant has not been reported in the literature in individuals affected with ATM-related conditions. For these reasons, this variant has been classified as Pathogenic.

Literature cited by the submitters: PubMed 23807571; PubMed 25614872.